The following is an entry in ClinVar:

ClinVar aggregate classification (germline): Likely benign. Review status: criteria provided, multiple submitters, no conflicts (2 of 4 stars). 2 submissions from 2 submitters: Likely benign (2). Last evaluated 2023-05-15.

Conditions:
Cardiovascular phenotype. Identifiers: MedGen CN230736.

Allele frequency attached by ClinVar (database versions not stated): gnomAD exomes 0.00001.
gnomAD v4.1: 8 of 1,614,130 alleles (0.0005%); highest among the groups gnomAD compares: Non-Finnish European, 0.00068%; no homozygotes.

Submissions (2):

Ambry Genetics
Classification: Likely benign for Cardiovascular phenotype. Last evaluated: 2023-05-15. Review status: criteria provided, single submitter. Criteria: Ambry Variant Classification Scheme 2023. Collection method: clinical testing. Allele origin: germline.

GeneDx
Classification: Likely benign. Last evaluated: 2016-09-14. Review status: criteria provided, single submitter. Criteria: GeneDx Variant Classification (06012015). Collection method: clinical testing. Allele origin: germline. Affected: yes.
Comment: This variant is considered likely benign or benign based on one or more of the following criteria: it is a conservative change, it occurs at a poorly conserved position in the protein, it is predicted to be benign by multiple in silico algorithms, and/or has population frequency not consistent with disease.

NM_002880.4(RAF1):c.1824G>A (p.Leu608=)

Gene: RAF1 (Raf-1 proto-oncogene, serine/threonine kinase; minus strand). Cytogenetic location: 3p25.2.
Variant type: single nucleotide variant.
Coding change: c.1824G>A on transcript NM_002880.4 (MANE Select); coding-DNA position 1824, G replaced by A.
Protein change: p.Leu608=; no amino-acid change (leucine 608 retained).
Molecular consequence: synonymous variant. On other transcripts: non-coding transcript variant (3).
Genome position (GRCh38, 1-based): chr3:12,584,637, C>T on the plus strand (G>A on the coding strand, the complement: RAF1 is on the minus strand). VCF-style: chr3-12584637-C-T. GRCh37 (hg19) VCF-style: chr3-12626136-C-T.
Other names: c.1884G>A, p.Leu628= (NM_001354689.3); c.1824G>A, p.Leu608= (NM_001354690.3); c.1581G>A, p.Leu527= (NM_001354691.3, NM_001354692.3); c.1725G>A, p.Leu575= (NM_001354693.3); c.1641G>A, p.Leu547= (NM_001354694.3); c.1482G>A, p.Leu494= (NM_001354695.3).
Identifiers: ClinVar variation 389352 (VCV000389352.3), dbSNP rs1057523409, ClinGen allele CA16604450.